The following is an entry in ClinVar:

NM_145698.5(ACBD5):c.16-8T>G

Genes: ACBD5 (acyl-CoA binding domain containing 5; minus strand), LOC130003557 (ATAC-STARR-seq lymphoblastoid active region 3182; plus strand). Cytogenetic location: 10p12.1.
Variant type: single nucleotide variant.
Coding change: c.16-8T>G on transcript NM_145698.5 (MANE Select); 8 bases into the intron before coding-DNA position 16, T replaced by G.
Molecular consequence: intron variant. On other transcripts: missense variant (4), initiator codon variant (4).
Genome position (GRCh38, 1-based): chr10:27,240,492, A>C on the plus strand (T>G on the coding strand, the complement: ACBD5 is on the minus strand). VCF-style: chr10-27240492-A-C. GRCh37 (hg19) VCF-style: chr10-27529421-A-C.
Other names: c.2T>G, p.Met1Arg (NM_001271512.3, NM_001352571.1, NM_001352586.1 and 1 more transcripts); c.16-8T>G (NM_001352570.1, NM_001352588.1, NM_001352573.1 and 2 more transcripts); c.-181-18T>G (NM_001301253.2, NM_001352583.1, NM_001352585.1); c.-80-18T>G (NM_001352580.2, NM_001352577.2, NM_001352575.2); c.-191-8T>G (NM_001301251.2, NM_001352584.1); c.-90-8T>G (NM_001352582.2, NM_001042473.4, NM_001352574.2 and 3 more transcripts); c.47-18T>G (NM_001352572.1, NM_001352568.1); short protein forms M1R.
Identifiers: ClinVar variation 4990848 (VCV004990848.1).
Genomic context (GRCh38, chr10:27,240,492, plus strand): 5'-TCGGCGGGAATCAGGCAGCAGCAGCACCAGCTTTCCCAAGAGCCTGCATGAAACTGGAAC[A>C]TGGAGCGCAGCCGCGGATCAACATGCCCCAAAAGGAGGAGGCCCGGGAGCGAAGCGGGTC-3'

ClinVar aggregate classification (germline): Uncertain significance (1 of 4 stars; one submission).

Conditions:
ACBD5-related disorder. Also called: ACBD5-related condition.

gnomAD v4.1: 21 of 1,601,276 alleles (0.0013%); highest among the groups gnomAD compares: Non-Finnish European, 0.0018%; no homozygotes.

Submission:

PreventionGenetics, part of Exact Sciences
Classification: Uncertain significance for ACBD5-related condition. Last evaluated: 2026-06-22. Review status: criteria provided, single submitter. Criteria: ACMG Guidelines, 2015. Collection method: clinical testing. Allele origin: germline.
Comment: The ACBD5 c.2T>G variant is predicted to disrupt the translation initiation site (Start loss). This variant is also described as c.16-8T>G using an alternative transcript (NM_145698.4). It is predicted to alter splicing based on in silico splicing prediction tools (SpliceAI; Jaganathan et al. 2019, PubMed ID: 30661751); however, computational predictions are not equivalent to functional evidence. To our knowledge, this variant has not been reported in the literature. It is present at a frequency of 0.0010% in individuals of European (non-Finnish) descent in gnomAD. Although this variant may be benign, its clinical significance remains uncertain due to the lack of conclusive functional and genetic evidence.